The following is an entry in ClinVar:

NM_020699.4(GATAD2B):c.658C>T (p.Gln220Ter)

Gene: GATAD2B (GATA zinc finger domain containing 2B; minus strand). Cytogenetic location: 1q21.3.
Variant type: single nucleotide variant.
Coding change: c.658C>T on transcript NM_020699.4 (MANE Select); coding-DNA position 658, C replaced by T.
Protein change: p.Gln220Ter; replaces glutamine 220 with a stop codon.
Molecular consequence: nonsense.
Genome position (GRCh38, 1-based): chr1:153,818,111, G>A on the plus strand (C>T on the coding strand, the complement: GATAD2B is on the minus strand). VCF-style: chr1-153818111-G-A. GRCh37 (hg19) VCF-style: chr1-153790587-G-A.
Other names: short protein forms Q220*.
Identifiers: ClinVar variation 379456 (VCV000379456.4), dbSNP rs1057520600, ClinGen allele CA16603406.

ClinVar aggregate classification (germline): Pathogenic. Review status: criteria provided, multiple submitters, no conflicts (2 of 4 stars). 3 submissions from 3 submitters: Pathogenic (3). Last evaluated 2023-04-11.

Conditions:
Severe intellectual disability-poor language-strabismus-grimacing face-long fingers syndrome (GAND). Also called: GAND SYNDROME. Identifiers: Orphanet 363686, MedGen C3554448, MONDO:0014034, OMIM 615074.

Submissions (3):

Genome-Nilou Lab
Classification: Pathogenic for Severe intellectual disability-poor language-strabismus-grimacing face-long fingers syndrome. Last evaluated: 2023-04-11. Review status: criteria provided, single submitter. Criteria: ACMG Guidelines, 2015. Collection method: clinical testing. Allele origin: germline. Affected: no.

Laboratoire Génétique Moléculaire, CHRU TOURS
Classification: Pathogenic. Last evaluated: 2020-05-29. Review status: criteria provided, single submitter. Criteria: ACMG Guidelines, 2015. Collection method: clinical testing. Allele origin: unknown. Affected: yes.

GeneDx
Classification: Pathogenic. Last evaluated: 2015-04-24. Review status: criteria provided, single submitter. Criteria: GeneDx Variant Classification (06012015). Collection method: clinical testing. Allele origin: germline. Affected: yes.
Comment: The de novo Q220X variant in the GATAD2B gene has not been reported previously as a pathogenic variant nor as a benign polymorphism, to our knowledge. This variant is predicted to cause loss of normal protein function either through protein truncation or nonsense-mediated mRNA decay. The Q220X variant was not observed in approximately 6500 individuals of European and African American ancestry in the NHLBI Exome Sequencing Project, indicating it is not a common benign variant in these populations. We interpret Q220X as a pathogenic variant.